The following is an entry in ClinVar:

NM_000083.3(CLCN1):c.181A>C (p.Ile61Leu)

Gene: CLCN1 (chloride voltage-gated channel 1; plus strand). Cytogenetic location: 7q34.
Variant type: single nucleotide variant.
Coding change: c.181A>C on transcript NM_000083.3 (MANE Select); coding-DNA position 181, A replaced by C.
Protein change: p.Ile61Leu; replaces isoleucine 61 with leucine.
Molecular consequence: missense variant. On other transcripts: non-coding transcript variant (1).
Genome position (GRCh38, 1-based): chr7:143,319,755, A>C. VCF-style: chr7-143319755-A-C. GRCh37 (hg19) VCF-style: chr7-143016848-A-C.
Other names: short protein forms I61L.
Identifiers: ClinVar variation 1719348 (VCV001719348.5), dbSNP rs2487025721, ClinGen allele CA369678861.
Genomic context (GRCh38, chr7:143,319,755, plus strand): 5'-CTGTCTATTATTTTTTTAGTCTTCCACAAGGCAGACACTGATCATTCTCTCTCTGTCCAG[A>C]TTTATGGCCATCACAAAGAACAATTCTCAGACAGGGAGCAGGACATAGGGATGCCCAAGA-3'
Protein context (NP_000074.3, residues 51-71): GPRHNVHPTQ[Ile61Leu]YGHHKEQFSD

ClinVar aggregate classification (germline): Uncertain significance (1 of 4 stars; one submission).

Conditions:
Congenital myotonia, autosomal dominant form (THD). Also called: THOMSEN DISEASE; Myotonia congenita autosomal dominant. Identifiers: Orphanet 614, MedGen C2936781, MONDO:0008055, OMIM 160800.
Congenital myotonia, autosomal recessive form. Also called: BECKER DISEASE; myotonia congenita, autosomal recessive; Becker Generalized Myotonia. Identifiers: Orphanet 614, MedGen C0751360, MONDO:0009715, OMIM 255700.

Submission:

Labcorp Genetics (formerly Invitae), Labcorp
Classification: Uncertain significance for Congenital myotonia, autosomal recessive form; Congenital myotonia, autosomal dominant form. Last evaluated: 2022-10-14. Review status: criteria provided, single submitter. Criteria: Invitae Variant Classification Sherloc (09022015). Collection method: clinical testing. Allele origin: germline.
Comment: This variant has not been reported in the literature in individuals affected with CLCN1-related conditions. Algorithms developed to predict the effect of missense changes on protein structure and function (SIFT, PolyPhen-2, Align-GVGD) all suggest that this variant is likely to be tolerated. This variant is not present in population databases (gnomAD no frequency). This sequence change replaces isoleucine, which is neutral and non-polar, with leucine, which is neutral and non-polar, at codon 61 of the CLCN1 protein (p.Ile61Leu). Algorithms developed to predict the effect of sequence changes on RNA splicing suggest that this variant may disrupt the consensus splice site. In summary, the available evidence is currently insufficient to determine the role of this variant in disease. Therefore, it has been classified as a Variant of Uncertain Significance.